The following is an entry in ClinVar:

ClinVar aggregate classification (germline): Pathogenic (1 of 4 stars; one submission).

Conditions:
Chromosome 2q32-q33 deletion syndrome (GLASS). Also called: Glass syndrome; 2q33.1 deletion syndrome. Identifiers: Orphanet 251019, MedGen C2676739, MONDO:0012864, OMIM 612313.

Submission:

Labcorp Genetics (formerly Invitae), Labcorp
Classification: Pathogenic for Chromosome 2q32-q33 deletion syndrome. Last evaluated: 2025-12-13. Review status: criteria provided, single submitter. Criteria: Invitae Variant Classification Sherloc (09022015). Collection method: clinical testing. Allele origin: germline.
Comment: This sequence change creates a premature translational stop signal (p.Gln492Asnfs*4) in the SATB2 gene. It is expected to result in an absent or disrupted protein product. Loss-of-function variants in SATB2 are known to be pathogenic (PMID: 25885067). This variant is not present in population databases (gnomAD no frequency). This variant has not been reported in the literature in individuals affected with SATB2-related conditions. For these reasons, this variant has been classified as Pathogenic.

Literature cited by the submitters: PubMed 25885067.

NM_001172509.2(SATB2):c.1474del (p.Gln492fs)

Gene: SATB2 (SATB homeobox 2; minus strand). Cytogenetic location: 2q33.1.
Variant type: Deletion.
Coding change: c.1474del on transcript NM_001172509.2 (MANE Select); coding-DNA position 1474, one base deleted (C; older notation c.1474delC).
Protein change: p.Gln492fs; shifts the reading frame from glutamine 492.
Molecular consequence: frameshift variant.
Genome position (GRCh38, 1-based): chr2:199,323,871, G deleted on the plus strand (C on the coding strand, the reverse complement: SATB2 is on the minus strand); the first of 2 consecutive G bases (chr2:199,323,871-199,323,872); deleting either gives the same sequence. VCF-style (leftmost placement, unchanged base first): chr2-199323870-TG-T. GRCh37 (hg19) VCF-style: chr2-200188593-TG-T.
Other names: c.1474del, p.Gln492fs (NM_001172517.1, NM_015265.4); short protein forms Q492fs.
Identifiers: ClinVar variation 4733066 (VCV004733066.1).